The following is an entry in ClinVar:

NM_177438.3(DICER1):c.4982A>G (p.His1661Arg)

Gene: DICER1 (dicer 1, ribonuclease III; minus strand). Cytogenetic location: 14q32.13.
Variant type: single nucleotide variant.
Coding change: c.4982A>G on transcript NM_177438.3 (MANE Select); coding-DNA position 4982, A replaced by G.
Protein change: p.His1661Arg; replaces histidine 1661 with arginine.
Molecular consequence: missense variant. On other transcripts: non-coding transcript variant (6).
Genome position (GRCh38, 1-based): chr14:95,095,938, T>C on the plus strand (A>G on the coding strand, the complement: DICER1 is on the minus strand). VCF-style: chr14-95095938-T-C. GRCh37 (hg19) VCF-style: chr14-95562275-T-C.
Other names: c.4982A>G, p.His1661Arg (NM_001195573.1, NM_001271282.3, NM_001291628.2 and 13 more transcripts); c.4700A>G, p.His1567Arg (NM_001395686.1); c.4577A>G, p.His1526Arg (NM_001395687.1, NM_001395688.1, NM_001395689.1 and 2 more transcripts); c.4415A>G, p.His1472Arg (NM_001395691.1); c.3299A>G, p.His1100Arg (NM_001395697.1); short protein forms H1567R, H1472R, H1661R, H1100R, H1526R.
Identifiers: ClinVar variation 1744539 (VCV001744539.5), dbSNP rs2542478620, ClinGen allele CA390866172.
Genomic context (GRCh38, chr14:95,095,938, plus strand): 5'-GCCTTATTCTTGAATCTGTAGTTGATTTTCTTTTCAAAATTTTCAAACCCCGATATAAGG[T>C]GATTCAGTGTTTTATCTGCATCTGGATGATCAAACATACATCTTGGTGGAATCTTCAAAC-3'
Protein context (NP_803187.1, residues 1651-1671): DHPDADKTLN[His1661Arg]LISGFENFEK

ClinVar aggregate classification (germline): Uncertain significance. Review status: criteria provided, multiple submitters, no conflicts (2 of 4 stars). 2 submissions from 2 submitters: Uncertain significance (2). Last evaluated 2025-03-05.

Conditions:
DICER1-related tumor predisposition. Also called: DICER1 syndrome; DICER1-related pleuropulmonary blastoma cancer predisposition syndrome. Identifiers: Orphanet 284343, MedGen C3839822, MONDO:0100216.
Hereditary cancer-predisposing syndrome. Also called: Neoplastic Syndromes, Hereditary; Tumor predisposition; Hereditary Cancer Syndrome; Hereditary neoplastic syndrome. Identifiers: Orphanet 140162, MedGen C0027672, MeSH D009386, MONDO:0015356.

Submissions (2):

Labcorp Genetics (formerly Invitae), Labcorp
Classification: Uncertain significance for DICER1-related tumor predisposition. Last evaluated: 2025-03-05. Review status: criteria provided, single submitter. Criteria: Invitae Variant Classification Sherloc (09022015). Collection method: clinical testing. Allele origin: germline.
Comment: This sequence change replaces histidine, which is basic and polar, with arginine, which is basic and polar, at codon 1661 of the DICER1 protein (p.His1661Arg). This variant is not present in population databases (gnomAD no frequency). This variant has not been reported in the literature in individuals affected with DICER1-related conditions. ClinVar contains an entry for this variant (Variation ID: 1744539). Invitae Evidence Modeling of protein sequence and biophysical properties (such as structural, functional, and spatial information, amino acid conservation, physicochemical variation, residue mobility, and thermodynamic stability) indicates that this missense variant is not expected to disrupt DICER1 protein function with a negative predictive value of 95%. In summary, the available evidence is currently insufficient to determine the role of this variant in disease. Therefore, it has been classified as a Variant of Uncertain Significance.

Ambry Genetics
Classification: Uncertain significance for Hereditary cancer-predisposing syndrome. Last evaluated: 2022-08-28. Review status: criteria provided, single submitter. Criteria: Ambry Variant Classification Scheme 2023. Collection method: clinical testing. Allele origin: germline.
Comment: The p.H1661R variant (also known as c.4982A>G), located in coding exon 22 of the DICER1 gene, results from an A to G substitution at nucleotide position 4982. The histidine at codon 1661 is replaced by arginine, an amino acid with highly similar properties. This amino acid position is conserved. In addition, the in silico prediction for this alteration is inconclusive. Since supporting evidence is limited at this time, the clinical significance of this alteration remains unclear.